The following is an entry in ClinVar:

ClinVar aggregate classification (germline): Likely benign. Review status: criteria provided, single submitter (1 of 4 stars). 2 submissions from 2 submitters: Likely benign (1). 1 of the submissions does not count toward it. Last evaluated 2025-06-12.

Conditions:
TJP2-related disorder. Also called: TJP2-related condition.

Allele frequency attached by ClinVar (database versions not stated): TOPMed below 0.00001; gnomAD exomes 0.00001.
gnomAD v4.1: 9 of 1,614,118 alleles (0.00056%); highest among the groups gnomAD compares: Non-Finnish European, 0.00076%; no homozygotes.

Submissions (2):

Labcorp Genetics (formerly Invitae), Labcorp
Classification: Likely benign. Last evaluated: 2025-06-12. Review status: criteria provided, single submitter. Criteria: Invitae Variant Classification Sherloc (09022015). Collection method: clinical testing. Allele origin: germline.

PreventionGenetics, part of Exact Sciences
Classification: Likely benign for TJP2-related condition. Last evaluated: 2023-05-16. Review status: no assertion criteria provided. Collection method: clinical testing. Allele origin: germline. Not counted in ClinVar's aggregate classification.
Comment: This variant is classified as likely benign based on ACMG/AMP sequence variant interpretation guidelines (Richards et al. 2015 PMID: 25741868, with internal and published modifications).

NM_004817.4(TJP2):c.3141G>T (p.Arg1047=)

Gene: TJP2 (tight junction protein 2; plus strand). Cytogenetic location: 9q21.11.
Variant type: single nucleotide variant.
Coding change: c.3141G>T on transcript NM_004817.4 (MANE Select); coding-DNA position 3141, G replaced by T.
Protein change: p.Arg1047=; no amino-acid change (arginine 1047 retained).
Molecular consequence: synonymous variant. On other transcripts: intron variant (3).
Genome position (GRCh38, 1-based): chr9:69,251,184, G>T. VCF-style: chr9-69251184-G-T. GRCh37 (hg19) VCF-style: chr9-71866100-G-T.
Other names: c.3141G>T (NM_004817.3); c.3042G>T, p.Arg1014= (NM_001170415.1); c.3234G>T, p.Arg1078= (NM_001170416.2); c.3066G>T, p.Arg1022= (NM_001369870.1); c.3072G>T, p.Arg1024= (NM_001369871.1); c.3030G>T, p.Arg1010= (NM_001369872.1); c.2817G>T, p.Arg939= (NM_001369873.1); c.3153G>T, p.Arg1051= (NM_001369875.1); and 3 more.
Identifiers: ClinVar variation 2974331 (VCV002974331.5), dbSNP rs1401074929, ClinGen allele CA465495333.